The following is an entry in ClinVar:

NM_000540.3(RYR1):c.7355G>A (p.Arg2452Gln)

Gene: RYR1 (ryanodine receptor 1; plus strand). Cytogenetic location: 19q13.2.
Variant type: single nucleotide variant.
Coding change: c.7355G>A on transcript NM_000540.3 (MANE Select); coding-DNA position 7355, G replaced by A.
Protein change: p.Arg2452Gln; replaces arginine 2452 with glutamine.
Molecular consequence: missense variant.
Genome position (GRCh38, 1-based): chr19:38,500,637, G>A. VCF-style: chr19-38500637-G-A. GRCh37 (hg19) VCF-style: chr19-38991277-G-A.
Other names: NM_000540.2(RYR1):c.7355G>A; p.Arg2452Gln; NM_000540.3(RYR1):c.7355G>A; c.7355G>A, p.Arg2452Gln (NM_001042723.2); short protein forms R2452Q.
Identifiers: ClinVar variation 133201 (VCV000133201.53), dbSNP rs193922815, ClinGen allele CA024772.

ClinVar aggregate classification (germline): Uncertain significance. Review status: reviewed by expert panel (3 of 4 stars). 8 submissions from 8 submitters: Uncertain significance (1). 7 of the submissions do not count toward it. Last evaluated 2026-04-20.

Conditions:
Central core myopathy (CMYO1A). Also called: CONGENITAL MYOPATHY 1A, AUTOSOMAL DOMINANT, WITH SUSCEPTIBILITY TO MALIGNANT HYPERTHERMIA; Central core disease; Myopathy, central fibrillar. Identifiers: Orphanet 597, MedGen C5830701, MONDO:0007294, OMIM 117000.
Malignant hyperthermia, susceptibility to, 1 (MHS1). Also called: Malignant hyperthermia suceptibility 1; Anesthesia related hyperthermia; Malignant hyperpyrexia; Fulminating hyperpyrexia; Pharmacogenic myopathy; RYR1-Related Malignant Hyperthermia Susceptibility. Identifiers: Orphanet 423, MedGen C2930980, MONDO:0007783, OMIM 145600.
King Denborough syndrome (KDS). Identifiers: MedGen C1840365, MONDO:0020485, OMIM 619542.
Congenital multicore myopathy with external ophthalmoplegia (CMYO1B). Also called: MULTICORE MYOPATHY; MULTIMINICORE DISEASE WITH EXTERNAL OPHTHALMOPLEGIA; Congenital myopathy 1B, autosomal recessive; Minicore myopathy; Minicore myopathy with external ophthalmoplegia. Identifiers: Orphanet 598, Orphanet 98905, MedGen C1850674, MONDO:0009712, OMIM 255320, HP:0003789.
Congenital myopathy with fiber type disproportion. Also called: Congenital fiber-type disproportion; Congenital fiber-type disproportion myopathy. Identifiers: Orphanet 2020, MedGen C0546264, MONDO:0009711. Inheritance: all.
RYR1-related myopathy. Identifiers: Orphanet 98742, MedGen CN305348, MONDO:0100150.
RYR1-related disorder. Also called: RYR1-related condition; RYR1-related disorders. Identifiers: MedGen CN239331.

Allele frequency attached by ClinVar (database versions not stated): gnomAD exomes below 0.00001 and 0.00001; TOPMed 0.00002.
gnomAD v4.1: 9 of 1,613,622 alleles (0.00056%); highest among the groups gnomAD compares: South Asian, 0.0011%; no homozygotes.

Submissions (8):

ClinGen Malignant Hyperthermia Susceptibility Variant Curation Expert Panel, ClinGen
Classification: Uncertain significance for Malignant hyperthermia, susceptibility to, 1. Last evaluated: 2026-04-20. Review status: reviewed by expert panel. Criteria: ClinGen MHS ACMG Specifications V1. Collection method: curation. Allele origin: germline. Inheritance: Autosomal dominant inheritance.
Comment: This pathogenicity assessment is relevant only for malignant hyperthermia susceptibility (MHS) inherited in an autosomal dominant pattern. Variants in RYR1 can also cause other myopathies inherited in an autosomal dominant pattern or in an autosomal recessive pattern. Some of these disorders may predispose individuals to malignant hyperthermia. RYR1 variants may also contribute to a malignant hyperthermia reaction in combination with other genetic and non-genetic factors and the clinician needs to consider such factors in making management decisions. This sequence variant predicts a substitution of arginine with glutamine at codon 2452 of the RYR1 protein, p.(Arg2452Gln). The maximum allele frequency for this variant among the six major gnomAD populations is NFE: 0.000009, a frequency consistent with pathogenicity for MHS. This variant has been reported in an individual with a personal or family history of an MH episode without a positive in vitro contracture test (IVCT) or caffeine halothane contracture test (CHCT) result, PS4 was not implemented (PMID: PMID:16732084). No functional studies were identified for this variant. This variant resides in a region of RYR1 considered to be a hotspot for pathogenic variants that contribute to MHS, PM1 (PMID: 21118704). A REVEL score >0.85 (0.928) supports a pathogenic status for this variant, PP3_Moderate. This variant has been classified as a Variant of Unknown Significance. Criteria implemented: PM1, PP3_Moderate.

Color Diagnostics, LLC DBA Color Health
Classification: Uncertain significance for Malignant hyperthermia, susceptibility to, 1. Last evaluated: 2025-09-04. Review status: criteria provided, single submitter. Criteria: ACMG Guidelines, 2015. Collection method: clinical testing. Allele origin: germline. Not counted in ClinVar's aggregate classification.
Comment: This missense variant replaces arginine with glutamine at codon 2452 of the RYR1 protein. Computational prediction suggests that this variant may have deleterious impact on protein structure and function. To our knowledge, functional studies have not been reported for this variant. This variant has been reported in an individual with a positive Ca2+ induced Ca2+ release test and with a family history of malignant hyperthermia susceptibility (PMID: 16732084). This variant has been identified in 1/251192 chromosomes in the general population by the Genome Aggregation Database (gnomAD). A different missense variant occurring at the same codon, p.Arg2452Trp is known to cause malignant hyperthermia susceptibility (ClinVar variation ID: 65979). Although there is a suspicion for a pathogenic role, the available clinical evidence for this p.Arg2452Trp variant is insufficient to determine the role of this variant in disease conclusively. Therefore, this variant is classified as a Variant of Uncertain Significance for autosomal dominant malignant hyperthermia.

Labcorp Genetics (formerly Invitae), Labcorp
Classification: Likely pathogenic for RYR1-related disorder. Last evaluated: 2023-08-29. Review status: criteria provided, single submitter. Criteria: Invitae Variant Classification Sherloc (09022015). Collection method: clinical testing. Allele origin: germline. Not counted in ClinVar's aggregate classification.
Comment: In summary, the currently available evidence indicates that the variant is pathogenic, but additional data are needed to prove that conclusively. Therefore, this variant has been classified as Likely Pathogenic. This variant disrupts the p.Arg2452 amino acid residue in RYR1. Other variant(s) that disrupt this residue have been determined to be pathogenic (PMID: 10823104, 22030266, 22473935, 23394784, 24433488, 25086907). This suggests that this residue is clinically significant, and that variants that disrupt this residue are likely to be disease-causing. This sequence change replaces arginine, which is basic and polar, with glutamine, which is neutral and polar, at codon 2452 of the RYR1 protein (p.Arg2452Gln). Advanced modeling of protein sequence and biophysical properties (such as structural, functional, and spatial information, amino acid conservation, physicochemical variation, residue mobility, and thermodynamic stability) performed at Invitae indicates that this missense variant is expected to disrupt RYR1 protein function. This variant is present in population databases (rs193922815, gnomAD 0.0009%). This missense change has been observed in individual(s) with malignant hyperthermia (PMID: 16917943). ClinVar contains an entry for this variant (Variation ID: 133201).

All of Us Research Program, National Institutes of Health
Classification: Uncertain significance for Malignant hyperthermia, susceptibility to, 1. Last evaluated: 2023-08-08. Review status: criteria provided, single submitter. Criteria: ACMG Guidelines, 2015. Collection method: clinical testing. Allele origin: germline. Inheritance: Autosomal dominant inheritance. Observed: 1 variant allele, 1 heterozygote. Not counted in ClinVar's aggregate classification.
Comment: This missense variant replaces arginine with glutamine at codon 2452 of the RYR1 protein. Computational prediction suggests that this variant may have deleterious impact on protein structure and function (internally defined REVEL score threshold >= 0.7, PMID: 27666373). To our knowledge, functional studies have not been reported for this variant. This variant has been reported in an individual with a positive Ca2+ induced Ca2+ release test and with a family history of malignant hyperthermia susceptibility (PMID: 16732084). This variant has been identified in 1/251192 chromosomes in the general population by the Genome Aggregation Database (gnomAD). A different missense variant occurring at the same codon, p.Arg2452Trp is known to cause malignant hyperthermia susceptibility (ClinVar variation ID: 65979). Although there is a suspicion for a pathogenic role, the available clinical evidence for this p.Arg2452Trp variant is insufficient to determine the role of this variant in disease conclusively. Therefore, this variant is classified as a Variant of Uncertain Significance for autosomal dominant malignant hyperthermia.

This study involves interpretation of variants in research participants for the purpose of population health screening. Participant phenotype was not available at the time of variant classification. Additional details can be found in publication PMID: 35346344, PMCID: PMC8962531

Broad Center for Mendelian Genomics, Broad Institute of MIT and Harvard
Classification: Uncertain significance for RYR1-related myopathy. Last evaluated: 2023-01-25. Review status: criteria provided, single submitter. Criteria: ACMG Guidelines, 2015. Collection method: curation. Allele origin: germline. Inheritance: Autosomal dominant inheritance. Not counted in ClinVar's aggregate classification.
Comment: The p.Arg2542Gln variant in RYR1 has been previously reported in one individual with RYR1-related disease (PMID: 16917943) but has been identified in 0.001% (1/113550) of European (non-Finnish) chromosomes by the Genome Aggregation Database (gnomAD; dbSNP ID: rs193922815). Although this variant has been seen in the general population in a heterozygous state, its frequency is not high enough to rule out a pathogenic role. This variant has also been reported in ClinVar (Variation ID:133201) and has been interpreted as pathogenic by CeGaT Center for Human Genetics Tuebingen and as a variant of uncertain significance by the ClinGen Malignant Hyperthermia Susceptibility Variant Curation Expert Panel and Invitae. Computational prediction tools and conservation analyses suggest that this variant may impact the protein, though this information is not predictive enough to determine pathogenicity. Multiple variants in the same region as the p.Arg2542Gln variant have been reported in association with disease in the literature, suggesting that this variant is in a hot spot and slightly supports pathogenicity (PMID: 21118704). One additional likely pathogenic variant, resulting in a different amino acid change at the same position, p.Arg2452Trp, has been reported in association with disease in ClinVar, slightly supporting that a change at this position may not be tolerated (ClinVar Variation ID: 65979). In summary, the clinical significance of the p.Arg2542Gln variant is uncertain. ACMG/AMP Criteria applied: PM1_Supporting, PM5_Supporting, PP3 (Richards 2015).

Fulgent Genetics
Classification: Uncertain significance for Central core myopathy; Malignant hyperthermia, susceptibility to, 1; Congenital myopathy 4A, autosomal dominant; Congenital multicore myopathy with external ophthalmoplegia; King Denborough syndrome. Last evaluated: 2021-08-09. Review status: criteria provided, single submitter. Criteria: ACMG Guidelines, 2015. Collection method: clinical testing. Allele origin: unknown. Not counted in ClinVar's aggregate classification.

CeGaT Center for Human Genetics Tuebingen
Classification: Pathogenic. Last evaluated: 2019-11-01. Review status: criteria provided, single submitter. Criteria: CeGaT Center For Human Genetics Tuebingen Variant Classification Criteria Version 2. Collection method: clinical testing. Allele origin: germline. Affected: yes. Observed: 1 variant allele. Not counted in ClinVar's aggregate classification.

RYR1 database
No classification provided. Review status: no classification provided. Collection method: not provided. Allele origin: unknown. Not counted in ClinVar's aggregate classification.

Literature cited by the submitters: PubMed 16732084 (cited by Color Diagnostics, LLC DBA Color Health and All of Us Research Program, National Institutes of Health); PubMed 10823104 (cited by Labcorp Genetics (formerly Invitae), Labcorp); PubMed 22030266 (cited by Labcorp Genetics (formerly Invitae), Labcorp); PubMed 22473935 (cited by Labcorp Genetics (formerly Invitae), Labcorp); PubMed 23394784 (cited by Labcorp Genetics (formerly Invitae), Labcorp); PubMed 24433488 (cited by Labcorp Genetics (formerly Invitae), Labcorp); PubMed 25086907 (cited by Labcorp Genetics (formerly Invitae), Labcorp); PubMed 16917943 (cited by Labcorp Genetics (formerly Invitae), Labcorp).